The following is an entry in ClinVar:

NM_004260.4(RECQL4):c.2817G>A (p.Ala939=)

Gene: RECQL4 (RecQ like helicase 4; minus strand). Cytogenetic location: 8q24.3.
Variant type: single nucleotide variant.
Coding change: c.2817G>A on transcript NM_004260.4 (MANE Select); coding-DNA position 2817, G replaced by A.
Protein change: p.Ala939=; no amino-acid change (alanine 939 retained).
Molecular consequence: synonymous variant.
Genome position (GRCh38, 1-based): chr8:144,512,710, C>T on the plus strand (G>A on the coding strand, the complement: RECQL4 is on the minus strand). VCF-style: chr8-144512710-C-T. GRCh37 (hg19) VCF-style: chr8-145738093-C-T.
Identifiers: ClinVar variation 239747 (VCV000239747.60), dbSNP rs202045203, ClinGen allele CA4948065.

ClinVar aggregate classification (germline): Benign/Likely benign. Review status: criteria provided, multiple submitters, no conflicts (2 of 4 stars). 11 submissions from 10 submitters: Benign (3); Likely benign (4). 4 of the submissions do not count toward it. Last evaluated 2026-03-01.

Conditions:
Hereditary cancer-predisposing syndrome. Also called: Tumor predisposition; Hereditary Cancer Syndrome; Neoplastic Syndromes, Hereditary; Hereditary neoplastic syndrome. Identifiers: Orphanet 140162, MedGen C0027672, MeSH D009386, MONDO:0015356.
Baller-Gerold syndrome (BGS). Also called: CRANIOSYNOSTOSIS WITH RADIAL DEFECTS. Identifiers: Orphanet 1225, MedGen C0265308, MONDO:0009039, OMIM 218600.
Rothmund-Thomson syndrome type 2 (RTS2). Identifiers: Orphanet 221016, MedGen C5203410, MONDO:0016369, OMIM 268400.
Rapadilino syndrome. Identifiers: Orphanet 3021, MedGen C1849453, MONDO:0009955, OMIM 266280.

Allele frequency attached by ClinVar (database versions not stated): 1000 Genomes Project 0.00100; 1000 Genomes Project 30x 0.00156; ESP Exome Variant Server 0.00159; TOPMed 0.00171; gnomAD exomes 0.00192; gnomAD 0.00198 and 0.00203; ExAC 0.00256.
gnomAD v4.1: 4,044 of 1,612,240 alleles (0.25%); highest among the groups gnomAD compares: Non-Finnish European, 0.31%; 8 homozygotes.

Submissions (11):

CeGaT Center for Human Genetics Tuebingen
Classification: Likely benign. Last evaluated: 2026-03-01. Review status: criteria provided, single submitter. Criteria: CeGaT Center For Human Genetics Tuebingen Variant Classification Criteria Version 2. Collection method: clinical testing. Allele origin: germline. Affected: yes. Observed: 24 variant alleles.
Comment: RECQL4: BP4, BP7

Labcorp Genetics (formerly Invitae), Labcorp
Classification: Benign for Baller-Gerold syndrome. Last evaluated: 2026-02-01. Review status: criteria provided, single submitter. Criteria: Invitae Variant Classification Sherloc (09022015). Collection method: clinical testing. Allele origin: germline.

KCCC/NGS Laboratory, Kuwait Cancer Control Center
Classification: Benign for Rapadilino syndrome. Last evaluated: 2025-02-01. Review status: criteria provided, single submitter. Criteria: ACMG Guidelines, 2015. Collection method: clinical testing. Allele origin: germline. Affected: no.

Blueprint Genetics
Classification: Likely benign. Last evaluated: 2024-11-19. Review status: criteria provided, single submitter. Criteria: ACMG Guidelines, 2015. Collection method: clinical testing. Allele origin: germline.

KCCC/NGS Laboratory, Kuwait Cancer Control Center
Classification: Benign for Rothmund-Thomson syndrome type 2. Last evaluated: 2023-07-07. Review status: criteria provided, single submitter. Criteria: ACMG Guidelines, 2015. Collection method: clinical testing. Allele origin: germline. Affected: yes.

GeneDx
Classification: Likely benign. Last evaluated: 2021-10-12. Review status: criteria provided, single submitter. Criteria: GeneDx Variant Classification Process June 2021. Collection method: clinical testing. Allele origin: germline. Affected: yes.

Sema4
Classification: Likely benign for Hereditary cancer-predisposing syndrome. Last evaluated: 2020-11-02. Review status: criteria provided, single submitter. Criteria: Sema4 Curation Guidelines. Collection method: curation. Allele origin: germline.

Genetic Services Laboratory, University of Chicago
Classification: Likely benign. Last evaluated: 2022-08-05. Review status: no assertion criteria provided. Collection method: clinical testing. Allele origin: germline. Affected: no. Not counted in ClinVar's aggregate classification.

Clinical Genetics DNA and cytogenetics Diagnostics Lab, Erasmus MC, Erasmus Medical Center
Classification: Likely benign. Review status: no assertion criteria provided. Collection method: clinical testing. Allele origin: germline. Affected: yes. Study: VKGL Data-share Consensus. Not counted in ClinVar's aggregate classification.

Genome Diagnostics Laboratory, Amsterdam University Medical Center
Classification: Likely benign. Review status: no assertion criteria provided. Collection method: clinical testing. Allele origin: germline. Affected: yes. Study: VKGL Data-share Consensus. Not counted in ClinVar's aggregate classification.

Genome Diagnostics Laboratory, University Medical Center Utrecht
Classification: Likely benign. Review status: no assertion criteria provided. Collection method: clinical testing. Allele origin: germline. Affected: yes. Study: VKGL Data-share Consensus. Not counted in ClinVar's aggregate classification.